The following is an entry in ClinVar:

ClinVar aggregate classification (germline): Uncertain significance (1 of 4 stars; one submission).

gnomAD v4.1: 1 of 1,614,132 alleles (0.000062%); highest among the groups gnomAD compares: Non-Finnish European, 0.000085%; no homozygotes.

Submission:

Labcorp Genetics (formerly Invitae), Labcorp
Classification: Uncertain significance. Last evaluated: 2025-03-17. Review status: criteria provided, single submitter. Criteria: Invitae Variant Classification Sherloc (09022015). Collection method: clinical testing. Allele origin: germline.
Comment: This sequence change replaces isoleucine, which is neutral and non-polar, with asparagine, which is neutral and polar, at codon 1157 of the USH2A protein (p.Ile1157Asn). This variant is present in population databases (rs772541843, gnomAD 0.0009%). This variant has not been reported in the literature in individuals affected with USH2A-related conditions. Invitae Evidence Modeling of protein sequence and biophysical properties (such as structural, functional, and spatial information, amino acid conservation, physicochemical variation, residue mobility, and thermodynamic stability) indicates that this missense variant is not expected to disrupt USH2A protein function with a negative predictive value of 95%. In summary, the available evidence is currently insufficient to determine the role of this variant in disease. Therefore, it has been classified as a Variant of Uncertain Significance.

NM_206933.4(USH2A):c.3470T>A (p.Ile1157Asn)

Genes: USH2A (usherin; minus strand), USH2A-AS1 (USH2A antisense RNA 1; plus strand). Cytogenetic location: 1q41.
Variant type: single nucleotide variant.
Coding change: c.3470T>A on transcript NM_206933.4 (MANE Select); coding-DNA position 3470, T replaced by A.
Protein change: p.Ile1157Asn; replaces isoleucine 1157 with asparagine.
Molecular consequence: missense variant.
Genome position (GRCh38, 1-based): chr1:216,199,968, A>T on the plus strand (T>A on the coding strand, the complement: USH2A is on the minus strand). VCF-style: chr1-216199968-A-T. GRCh37 (hg19) VCF-style: chr1-216373310-A-T.
Other names: c.3470T>A, p.Ile1157Asn (NM_007123.6); short protein forms I1157N.
Identifiers: ClinVar variation 3611524 (VCV003611524.2).